The following is an entry in ClinVar:

NM_017934.7(PHIP):c.4323G>T (p.Arg1441Ser)

Genes: IRAK1BP1 (interleukin 1 receptor associated kinase 1 binding protein 1; plus strand), PHIP (PHIP subunit of CUL4-Ring ligase complex; minus strand). Cytogenetic location: 6q14.1.
Variant type: single nucleotide variant.
Coding change: c.4323G>T on transcript NM_017934.7 (MANE Select); coding-DNA position 4323, G replaced by T.
Protein change: p.Arg1441Ser; replaces arginine 1441 with serine.
Molecular consequence: missense variant.
Genome position (GRCh38, 1-based): chr6:78,946,758, C>A on the plus strand (G>T on the coding strand, the complement: PHIP is on the minus strand). VCF-style: chr6-78946758-C-A. GRCh37 (hg19) VCF-style: chr6-79656475-C-A.
Other names: c.4323G>T (NM_017934.6, NM_017934.5); short protein forms R1441S.
Identifiers: ClinVar variation 2142348 (VCV002142348.8), dbSNP rs141705771, ClinGen allele CA3899472.

ClinVar aggregate classification (germline): Benign/Likely benign. Review status: criteria provided, multiple submitters, no conflicts (2 of 4 stars). 4 submissions from 4 submitters: Benign (1); Likely benign (2). 1 of the submissions does not count toward it. Last evaluated 2025-10-02.

Conditions:
Inborn genetic diseases. Identifiers: MedGen C0950123, MeSH D030342.
PHIP-related disorder. Also called: PHIP-related disorders; PHIP-related condition.

Allele frequency attached by ClinVar (database versions not stated): gnomAD 0.00007; TOPMed 0.00008; ExAC 0.00015; ESP Exome Variant Server 0.00015.
gnomAD v4.1: 147 of 1,589,972 alleles (0.0092%); highest among the groups gnomAD compares: Middle Eastern, 0.017%; 1 homozygote.

Submissions (4):

Labcorp Genetics (formerly Invitae), Labcorp
Classification: Benign. Last evaluated: 2025-10-02. Review status: criteria provided, single submitter. Criteria: Invitae Variant Classification Sherloc (09022015). Collection method: clinical testing. Allele origin: germline.

Laboratory of Genetics, Children's Clinical University Hospital Latvia
Classification: Likely benign. Last evaluated: 2025-02-16. Review status: criteria provided, single submitter. Criteria: ACMG Guidelines, 2015. Collection method: clinical testing. Allele origin: germline. Affected: yes.

Ambry Genetics
Classification: Likely benign for Inborn genetic diseases. Last evaluated: 2022-11-21. Review status: criteria provided, single submitter. Criteria: Ambry Variant Classification Scheme 2023. Collection method: clinical testing. Allele origin: germline.

PreventionGenetics, part of Exact Sciences
Classification: Uncertain significance for PHIP-related condition. Last evaluated: 2024-08-27. Review status: no assertion criteria provided. Collection method: clinical testing. Allele origin: germline. Not counted in ClinVar's aggregate classification.
Comment: The PHIP c.4323G>T variant is predicted to result in the amino acid substitution p.Arg1441Ser. To our knowledge, this variant has not been reported in the literature. This variant is reported in 0.017% of alleles in individuals of European (Non-Finnish) descent in gnomAD. Although we suspect that this variant may be benign, at this time, the clinical significance of this variant is uncertain due to the absence of conclusive functional and genetic evidence.